The following is an entry in ClinVar:

NM_003060.4(SLC22A5):c.224G>C (p.Arg75Pro)

Gene: SLC22A5 (solute carrier family 22 member 5; plus strand). Cytogenetic location: 5q31.1.
Variant type: single nucleotide variant.
Coding change: c.224G>C on transcript NM_003060.4 (MANE Select); coding-DNA position 224, G replaced by C.
Protein change: p.Arg75Pro; replaces arginine 75 with proline.
Molecular consequence: missense variant.
Genome position (GRCh38, 1-based): chr5:132,370,196, G>C. VCF-style: chr5-132370196-G-C. GRCh37 (hg19) VCF-style: chr5-131705888-G-C.
Other names: c.224G>C, p.Arg75Pro (NM_001308122.2); short protein forms R75P.
Identifiers: ClinVar variation 1507660 (VCV001507660.6), dbSNP rs757711838, ClinGen allele CA3403815.

ClinVar aggregate classification (germline): Uncertain significance. Review status: criteria provided, multiple submitters, no conflicts (2 of 4 stars). 2 submissions from 2 submitters: Uncertain significance (2). Last evaluated 2021-10-20.

Conditions:
Renal carnitine transport defect (CDSP). Also called: Carnitine transporter deficiency; Carnitine Deficiency, Systemic; Primary carnitine deficiency; Systemic primary carnitine deficiency; CARNITINE DEFICIENCY, SYSTEMIC, DUE TO DEFECT IN RENAL REABSORPTION OF CARNITINE; CARNITINE TRANSPORTER, PLASMA-MEMBRANE, DEFICIENCY OF. Identifiers: Orphanet 158, MedGen C0342788, MONDO:0008919, OMIM 212140.

Allele frequency attached by ClinVar (database versions not stated): gnomAD 0.00001; gnomAD exomes 0.00001; ExAC 0.00002.
gnomAD v4.1: 15 of 1,592,654 alleles (0.00094%); highest among the groups gnomAD compares: Non-Finnish European, 0.0013%; no homozygotes.

Submissions (2):

Fulgent Genetics
Classification: Uncertain significance for Renal carnitine transport defect. Last evaluated: 2021-10-20. Review status: criteria provided, single submitter. Criteria: ACMG Guidelines, 2015. Collection method: clinical testing. Allele origin: unknown.

Labcorp Genetics (formerly Invitae), Labcorp
Classification: Uncertain significance for Renal carnitine transport defect. Last evaluated: 2021-08-31. Review status: criteria provided, single submitter. Criteria: Invitae Variant Classification Sherloc (09022015). Collection method: clinical testing. Allele origin: germline.
Comment: This sequence change replaces arginine with proline at codon 75 of the SLC22A5 protein (p.Arg75Pro). The arginine residue is weakly conserved and there is a moderate physicochemical difference between arginine and proline. This variant is present in population databases (rs757711838, ExAC 0.003%). This missense change has been observed in individual(s) with clinical features of primary carnitine deficiency (PMID: 20574985). Advanced modeling of protein sequence and biophysical properties (such as structural, functional, and spatial information, amino acid conservation, physicochemical variation, residue mobility, and thermodynamic stability) performed at Invitae indicates that this missense variant is not expected to disrupt SLC22A5 protein function. Experimental studies have shown that this missense change affects SLC22A5 function (PMID: 28841266). In summary, the available evidence is currently insufficient to determine the role of this variant in disease. Therefore, it has been classified as a Variant of Uncertain Significance.

Literature cited by the submitters: PubMed 20574985 (cited by Labcorp Genetics (formerly Invitae), Labcorp); PubMed 28841266 (cited by Labcorp Genetics (formerly Invitae), Labcorp).